The following is an entry in ClinVar:

NM_003036.4(SKI):c.628G>T (p.Gly210Cys)

Gene: SKI (SKI proto-oncogene; plus strand). Cytogenetic location: 1p36.33.
Variant type: single nucleotide variant.
Coding change: c.628G>T on transcript NM_003036.4 (MANE Select); coding-DNA position 628, G replaced by T.
Protein change: p.Gly210Cys; replaces glycine 210 with cysteine.
Molecular consequence: missense variant.
Genome position (GRCh38, 1-based): chr1:2,229,394, G>T. VCF-style: chr1-2229394-G-T. GRCh37 (hg19) VCF-style: chr1-2160833-G-T.
Other names: c.628G>T (NM_003036.3); short protein forms G210C.
Identifiers: ClinVar variation 2881215 (VCV002881215.4), dbSNP rs1254474339, ClinGen allele CA337954400.

ClinVar aggregate classification (germline): Uncertain significance. Review status: criteria provided, multiple submitters, no conflicts (2 of 4 stars). 2 submissions from 2 submitters: Uncertain significance (2). Last evaluated 2025-10-21.

Conditions:
Shprintzen-Goldberg syndrome (SGS). Also called: SHPRINTZEN-GOLDBERG CRANIOSYNOSTOSIS SYNDROME; CRANIOSYNOSTOSIS WITH ARACHNODACTYLY AND ABDOMINAL HERNIAS; Marfanoid disorder with craniosynostosis type 1; Marfanoid craniosynostosis syndrome; Shprintzen-Goldberg marfanoid syndrome. Identifiers: Orphanet 2462, MedGen C1321551, MONDO:0008426, OMIM 182212.

Allele frequency attached by ClinVar (database versions not stated): TOPMed below 0.00001.

Submissions (2):

Labcorp Genetics (formerly Invitae), Labcorp
Classification: Uncertain significance for Shprintzen-Goldberg syndrome. Last evaluated: 2025-10-21. Review status: criteria provided, single submitter. Criteria: Invitae Variant Classification Sherloc (09022015). Collection method: clinical testing. Allele origin: germline.
Comment: This sequence change replaces glycine, which is neutral and non-polar, with cysteine, which is neutral and slightly polar, at codon 210 of the SKI protein (p.Gly210Cys). This variant is not present in population databases (gnomAD no frequency). This variant has not been reported in the literature in individuals affected with SKI-related conditions. ClinVar contains an entry for this variant (Variation ID: 2881215). Invitae Evidence Modeling of protein sequence and biophysical properties (such as structural, functional, and spatial information, amino acid conservation, physicochemical variation, residue mobility, and thermodynamic stability) indicates that this missense variant is not expected to disrupt SKI protein function with a negative predictive value of 95%. In summary, the available evidence is currently insufficient to determine the role of this variant in disease. Therefore, it has been classified as a Variant of Uncertain Significance.

GeneDx
Classification: Uncertain significance. Last evaluated: 2025-06-04. Review status: criteria provided, single submitter. Criteria: GeneDx Variant Classification Process June 2021. Collection method: clinical testing. Allele origin: germline. Affected: yes.
Comment: Not observed at significant frequency in large population cohorts (gnomAD); In silico analysis suggests that this missense variant does not alter protein structure/function; Has not been previously published as pathogenic or benign to our knowledge